The following is an entry in ClinVar:

ClinVar aggregate classification (germline): Uncertain significance (1 of 4 stars; one submission).

Allele frequency attached by ClinVar (database versions not stated): ESP Exome Variant Server 0.00015.
gnomAD v4.1: 195 of 1,610,380 alleles (0.012%); highest among the groups gnomAD compares: Non-Finnish European, 0.016%; no homozygotes.

Submission:

Labcorp Genetics (formerly Invitae), Labcorp
Classification: Uncertain significance. Last evaluated: 2022-08-13. Review status: criteria provided, single submitter. Criteria: Invitae Variant Classification Sherloc (09022015). Collection method: clinical testing. Allele origin: germline.
Comment: This sequence change replaces glutamine, which is neutral and polar, with histidine, which is basic and polar, at codon 123 of the CEP135 protein (p.Gln123His). This variant is present in population databases (rs147451921, gnomAD 0.01%). This variant has not been reported in the literature in individuals affected with CEP135-related conditions. Algorithms developed to predict the effect of missense changes on protein structure and function are either unavailable or do not agree on the potential impact of this missense change (SIFT: "Tolerated"; PolyPhen-2: "Probably Damaging"; Align-GVGD: "Class C0"). In summary, the available evidence is currently insufficient to determine the role of this variant in disease. Therefore, it has been classified as a Variant of Uncertain Significance.

NM_025009.5(CEP135):c.369A>T (p.Gln123His)

Gene: CEP135 (centrosomal protein 135; plus strand). Cytogenetic location: 4q12.
Variant type: single nucleotide variant.
Coding change: c.369A>T on transcript NM_025009.5 (MANE Select); coding-DNA position 369, A replaced by T.
Protein change: p.Gln123His; replaces glutamine 123 with histidine.
Molecular consequence: missense variant.
Genome position (GRCh38, 1-based): chr4:55,954,280, A>T. VCF-style: chr4-55954280-A-T. GRCh37 (hg19) VCF-style: chr4-56820446-A-T.
Other names: short protein forms Q123H.
Identifiers: ClinVar variation 2080036 (VCV002080036.1), dbSNP rs147451921, ClinGen allele CA2927529.
Genomic context (GRCh38, chr4:55,954,280, plus strand): 5'-GAAAACTTCATTGAAGAAATGTGCACGTGAAACAGCTGATCTGAAATTTCTGAATAACCA[A>T]TATGCTCATAAACTCAAACTGTTGGAGAAAGAGAGCAAAGCTAAGAATGAAAGAATTCAA-3'
Protein context (NP_079285.2, residues 113-133): ETADLKFLNN[Gln123His]YAHKLKLLEK